The following is an entry in ClinVar:

NM_001165963.4(SCN1A):c.2825T>C (p.Leu942Pro)

Gene: SCN1A (sodium voltage-gated channel alpha subunit 1; minus strand). Cytogenetic location: 2q24.3.
Variant type: single nucleotide variant.
Coding change: c.2825T>C on transcript NM_001165963.4 (MANE Select); coding-DNA position 2825, T replaced by C.
Protein change: p.Leu942Pro; replaces leucine 942 with proline.
Molecular consequence: missense variant. On other transcripts: non-coding transcript variant (1).
Genome position (GRCh38, 1-based): chr2:166,037,897, A>G on the plus strand (T>C on the coding strand, the complement: SCN1A is on the minus strand). VCF-style: chr2-166037897-A-G. GRCh37 (hg19) VCF-style: chr2-166894407-A-G.
Other names: c.2741T>C, p.Leu914Pro (NM_001165964.3, NM_001353957.2, NM_001353958.2); c.2825T>C, p.Leu942Pro (NM_001202435.3, NM_001353948.2); c.2792T>C, p.Leu931Pro (NM_001353949.2, NM_001353950.2, NM_001353951.2 and 2 more transcripts); c.2789T>C, p.Leu930Pro (NM_001353954.2, NM_001353955.2); c.2738T>C, p.Leu913Pro (NM_001353960.2); c.383T>C, p.Leu128Pro (NM_001353961.2); short protein forms L931P, L942P, L914P, L930P, L128P, L913P.
Identifiers: ClinVar variation 68521 (VCV000068521.3), dbSNP rs121917943, ClinGen allele CA284904.
Genomic context (GRCh38, chr2:166,037,897, plus strand): 5'-ACCTCCATACAGTCCCACATGGTCTCTATCCACTCCCCACACAGCACGCGGAACACAATC[A>G]GGAAGGAGTGGAAGAAGTCATTCATGTGCCAGCGTGGGAGTTGACAATCACTGGCGATCT-3'
Protein context (NP_001159435.1, residues 932-952): WHMNDFFHSF[Leu942Pro]IVFRVLCGEW

ClinVar aggregate classification (germline): Pathogenic. Review status: criteria provided, single submitter (1 of 4 stars). 2 submissions from 2 submitters: Pathogenic (1). 1 of the submissions does not count toward it. Last evaluated 2024-07-06.

Conditions:
Early-infantile DEE. Also called: Early infantile epileptic encephalopathy; Early infantile epileptic encephalopathy with suppression bursts; Ohtahara syndrome. Identifiers: Orphanet 1934, MedGen C0393706, MONDO:0800491.
Severe myoclonic epilepsy in infancy (DRVT). Also called: SEVERE MYOCLONIC EPILEPSY OF INFANCY; DEVELOPMENTAL AND EPILEPTIC ENCEPHALOPATHY 6A; Severe Myoclonic Epilepsy in Infancy (SMEI); Dravet syndrome; Epileptic encephalopathy, early infantile, 6 (Dravet syndrome). Identifiers: Orphanet 33069, MedGen C0751122, MONDO:0100135, OMIM 607208.

Submissions (2):

Labcorp Genetics (formerly Invitae), Labcorp
Classification: Pathogenic for Early-infantile DEE. Last evaluated: 2024-07-06. Review status: criteria provided, single submitter. Criteria: Invitae Variant Classification Sherloc (09022015). Collection method: clinical testing. Allele origin: germline.
Comment: This sequence change replaces leucine, which is neutral and non-polar, with proline, which is neutral and non-polar, at codon 942 of the SCN1A protein (p.Leu942Pro). This variant is not present in population databases (gnomAD no frequency). This missense change has been observed in individual(s) with severe myoclonic epilepsy of infancy (SMEI) (PMID: 17054684). In at least one individual the variant was observed to be de novo. ClinVar contains an entry for this variant (Variation ID: 68521). Advanced modeling of protein sequence and biophysical properties (such as structural, functional, and spatial information, amino acid conservation, physicochemical variation, residue mobility, and thermodynamic stability) performed at Invitae indicates that this missense variant is expected to disrupt SCN1A protein function with a positive predictive value of 95%. For these reasons, this variant has been classified as Pathogenic.

UniProtKB/Swiss-Prot
No classification provided. Condition: Severe myoclonic epilepsy in infancy. Review status: no classification provided. Collection method: not provided. Allele origin: unknown. Not counted in ClinVar's aggregate classification.

Literature cited by the submitters: PubMed 17054684 (cited by Labcorp Genetics (formerly Invitae), Labcorp).